The following is an entry in ClinVar:

NM_177438.3(DICER1):c.4206+8_4206+9insTTTGTGTG

Gene: DICER1 (dicer 1, ribonuclease III; minus strand). Cytogenetic location: 14q32.13.
Variant type: Microsatellite.
Coding change: c.4206+8_4206+9insTTTGTGTG on transcript NM_177438.3 (MANE Select); bases 8 to 9 of the intron after coding-DNA position 4206, TTTGTGTG inserted.
Molecular consequence: intron variant.
Genome position: GRCh38 VCF-style: chr14-95099771-C-CACACACAA. GRCh37 (hg19) VCF-style: chr14-95566108-C-CACACACAA.
Other names: p.?; c.4206+8_4206+9insTTTGTGTG (NM_001291628.2, NM_030621.4, NM_001271282.3 and 1 more transcripts).
Identifiers: ClinVar variation 220996 (VCV000220996.22), dbSNP rs763704682.

ClinVar aggregate classification (germline): Benign. Review status: criteria provided, multiple submitters, no conflicts (2 of 4 stars). 4 submissions from 4 submitters: Benign (4). Last evaluated 2026-02-04.

Conditions:
DICER1-related tumor predisposition. Also called: DICER1 syndrome; DICER1-related pleuropulmonary blastoma cancer predisposition syndrome. Identifiers: Orphanet 284343, MedGen C3839822, MONDO:0100216.

Submissions (4):

Labcorp Genetics (formerly Invitae), Labcorp
Classification: Benign for DICER1-related tumor predisposition. Last evaluated: 2026-02-04. Review status: criteria provided, single submitter. Criteria: Invitae Variant Classification Sherloc (09022015). Collection method: clinical testing. Allele origin: germline.

CeGaT Center for Human Genetics Tuebingen
Classification: Benign. Last evaluated: 2025-11-01. Review status: criteria provided, single submitter. Criteria: CeGaT Center For Human Genetics Tuebingen Variant Classification Criteria Version 2. Collection method: clinical testing. Allele origin: germline. Affected: yes. Observed: 1 variant allele.
Comment: DICER1: BS1, BS2

Quest Diagnostics Nichols Institute San Juan Capistrano
Classification: Benign. Last evaluated: 2025-10-08. Review status: criteria provided, single submitter. Criteria: Quest Diagnostics criteria. Collection method: clinical testing. Allele origin: unknown.

Mayo Clinic Laboratories, Mayo Clinic
Classification: Benign. Last evaluated: 2025-06-05. Review status: criteria provided, single submitter. Criteria: ACMG Guidelines, 2015. Collection method: clinical testing. Allele origin: germline. Observed: 3 variant alleles.
Comment: BA1, BS2_supporting